The following is an entry in ClinVar:

ClinVar aggregate classification (germline): Uncertain significance (1 of 4 stars; one submission).

Conditions:
Inclusion body myopathy with early-onset Paget disease with or without frontotemporal dementia 2 (IBMPFD2). Also called: MULTISYSTEM PROTEINOPATHY 2. Identifiers: MedGen C3809468, MONDO:0014178, OMIM 615422.

Submission:

Labcorp Genetics (formerly Invitae), Labcorp
Classification: Uncertain significance for Inclusion body myopathy with early-onset Paget disease with or without frontotemporal dementia 2. Last evaluated: 2022-02-08. Review status: criteria provided, single submitter. Criteria: Invitae Variant Classification Sherloc (09022015). Collection method: clinical testing. Allele origin: germline.
Comment: In summary, the available evidence is currently insufficient to determine the role of this variant in disease. Therefore, it has been classified as a Variant of Uncertain Significance. A gross deletion of the genomic region encompassing the full coding sequence of the HNRNPA2B1 gene has been identified. The current clinical and genetic evidence is not sufficient to establish whether loss-of-function variants in HNRNPA2B1 cause disease. The boundaries of this event are unknown as they extend beyond the assayed region for this gene and therefore may encompass additional genes. This variant has not been reported in the literature in individuals affected with HNRNPA2B1-related conditions.

NC_000007.13:g.(?_26232136)_(26240197_?)del

Gene: HNRNPA2B1 (heterogeneous nuclear ribonucleoprotein A2/B1; minus strand). Cytogenetic location: 7p15.2.
Variant type: Deletion.
Identifiers: ClinVar variation 2426963 (VCV002426963.4).